The following is an entry in ClinVar:

ClinVar aggregate classification (germline): Pathogenic/Likely pathogenic. Review status: criteria provided, multiple submitters, no conflicts (2 of 4 stars). 5 submissions from 4 submitters: Pathogenic (1); Likely pathogenic (3). 1 of the submissions does not count toward it. Last evaluated 2025-08-15.

Conditions:
Retinitis pigmentosa 39 (RP39). Identifiers: Orphanet 791, MedGen C3151138, MONDO:0013436, OMIM 613809.
Usher syndrome type 2A. Also called: RETINAL DISEASE IN USHER SYNDROME TYPE IIA, MODIFIER OF; USHER SYNDROME, TYPE IIA. Identifiers: Orphanet 231178, Orphanet 886, MedGen C1848634, MONDO:0010169, OMIM 276901.

Submissions (5):

Natera, Inc.
Classification: Likely pathogenic for Usher syndrome type 2A. Last evaluated: 2025-08-15. Review status: criteria provided, single submitter. Criteria: Natera Variant Classification Schema (03/2026). Collection method: clinical testing. Allele origin: germline.
Comment: The c.13985del variant in USH2A is a frameshift variant predicted to shift the reading frame beginning at codon 4662 and leads to a stop codon 16 codons downstream. This variant is expected to result in nonsense mediated decay, truncation, or a dysfunctional protein product. This variant is rare in the general population with a frequency below the threshold expected for the associated phenotype(s). Given the available evidence, this variant is classified as Likely Pathogenic.

Genome-Nilou Lab
Classification: Likely pathogenic for Retinitis pigmentosa 39. Last evaluated: 2023-11-04. Review status: criteria provided, single submitter. Criteria: ACMG Guidelines, 2015. Collection method: clinical testing. Allele origin: germline. Affected: no.

Genome-Nilou Lab
Classification: Likely pathogenic for Usher syndrome type 2A. Last evaluated: 2023-11-04. Review status: criteria provided, single submitter. Criteria: ACMG Guidelines, 2015. Collection method: clinical testing. Allele origin: germline. Affected: no.

Labcorp Genetics (formerly Invitae), Labcorp
Classification: Pathogenic. Last evaluated: 2022-10-05. Review status: criteria provided, single submitter. Criteria: Invitae Variant Classification Sherloc (09022015). Collection method: clinical testing. Allele origin: germline.
Comment: This variant is not present in population databases (gnomAD no frequency). This variant has not been reported in the literature in individuals affected with USH2A-related conditions. This sequence change creates a premature translational stop signal (p.Gln4662Argfs*16) in the USH2A gene. It is expected to result in an absent or disrupted protein product. Loss-of-function variants in USH2A are known to be pathogenic (PMID: 10729113, 10909849, 20507924, 25649381). For these reasons, this variant has been classified as Pathogenic. ClinVar contains an entry for this variant (Variation ID: 553123).

Counsyl
Classification: Likely pathogenic for Usher syndrome type 2A; Retinitis pigmentosa 39. Last evaluated: 2017-07-28. Review status: no assertion criteria provided. Collection method: clinical testing. Allele origin: unknown. Not counted in ClinVar's aggregate classification.

Literature cited by the submitters: PubMed 10729113 (cited by Labcorp Genetics (formerly Invitae), Labcorp); PubMed 10909849 (cited by Labcorp Genetics (formerly Invitae), Labcorp); PubMed 20507924 (cited by Labcorp Genetics (formerly Invitae), Labcorp); PubMed 25649381 (cited by Labcorp Genetics (formerly Invitae), Labcorp).

NM_206933.4(USH2A):c.13985del (p.Gln4662fs)

Gene: USH2A (usherin; minus strand). Cytogenetic location: 1q41.
Variant type: Deletion.
Coding change: c.13985del on transcript NM_206933.4 (MANE Select); coding-DNA position 13985, one base deleted (A; older notation c.13985delA).
Protein change: p.Gln4662fs; shifts the reading frame from glutamine 4662.
Molecular consequence: frameshift variant.
Genome position (GRCh38, 1-based): chr1:215,671,120, T deleted on the plus strand (A on the coding strand, the reverse complement: USH2A is on the minus strand). VCF-style (leftmost placement, unchanged base first): chr1-215671119-CT-C. GRCh37 (hg19) VCF-style: chr1-215844461-CT-C.
Other names: c.13985del (NM_206933.2); short protein forms Q4662fs.
Identifiers: ClinVar variation 553123 (VCV000553123.9), dbSNP rs1553252041, ClinGen allele CA658822637.
Genomic context (GRCh38, chr1:215,671,119, plus strand): 5'-TCTAGGCTGAGTTGCTATTTGTCTTCTGTATAATTCGTAATACAAAACTTTTCCATTTGG[CT>C]GCAGCGGTCCTGTCCACAAAAGAGAAACAGTTGGCTGGAATCCTCCTGGAGCCATTTGTA-3'